The following is an entry in ClinVar:

ClinVar aggregate classification (germline): Uncertain significance (1 of 4 stars; one submission).

Allele frequency attached by ClinVar (database versions not stated): gnomAD exomes below 0.00001.
gnomAD v4.1: 2 of 1,614,174 alleles (0.00012%); highest among the groups gnomAD compares: South Asian, 0.0011%; no homozygotes.

Submission:

Labcorp Genetics (formerly Invitae), Labcorp
Classification: Uncertain significance. Last evaluated: 2024-04-25. Review status: criteria provided, single submitter. Criteria: Invitae Variant Classification Sherloc (09022015). Collection method: clinical testing. Allele origin: germline.
Comment: This sequence change replaces tyrosine, which is neutral and polar, with histidine, which is basic and polar, at codon 141 of the TPP1 protein (p.Tyr141His). This variant is not present in population databases (gnomAD no frequency). This variant has not been reported in the literature in individuals affected with TPP1-related conditions. ClinVar contains an entry for this variant (Variation ID: 1491324). Advanced modeling of protein sequence and biophysical properties (such as structural, functional, and spatial information, amino acid conservation, physicochemical variation, residue mobility, and thermodynamic stability) has been performed at Invitae for this missense variant, however the output from this modeling did not meet the statistical confidence thresholds required to predict the impact of this variant on TPP1 protein function. In summary, the available evidence is currently insufficient to determine the role of this variant in disease. Therefore, it has been classified as a Variant of Uncertain Significance.

NM_000391.4(TPP1):c.421T>C (p.Tyr141His)

Gene: TPP1 (tripeptidyl peptidase 1; minus strand). Cytogenetic location: 11p15.4.
Variant type: single nucleotide variant.
Coding change: c.421T>C on transcript NM_000391.4 (MANE Select); coding-DNA position 421, T replaced by C.
Protein change: p.Tyr141His; replaces tyrosine 141 with histidine.
Molecular consequence: missense variant.
Genome position (GRCh38, 1-based): chr11:6,617,388, A>G on the plus strand (T>C on the coding strand, the complement: TPP1 is on the minus strand). VCF-style: chr11-6617388-A-G. GRCh37 (hg19) VCF-style: chr11-6638619-A-G.
Other names: short protein forms Y141H.
Identifiers: ClinVar variation 1491324 (VCV001491324.6), dbSNP rs2134595764, ClinGen allele CA379475953.